The following is an entry in ClinVar:

NM_000719.7(CACNA1C):c.481C>T (p.Arg161Ter)

Gene: CACNA1C (calcium voltage-gated channel subunit alpha1 C; plus strand). Cytogenetic location: 12p13.33.
Variant type: single nucleotide variant.
Coding change: c.481C>T on transcript NM_000719.7 (MANE Select); coding-DNA position 481, C replaced by T.
Protein change: p.Arg161Ter; replaces arginine 161 with a stop codon.
Molecular consequence: nonsense.
Genome position (GRCh38, 1-based): chr12:2,448,979, C>T. VCF-style: chr12-2448979-C-T. GRCh37 (hg19) VCF-style: chr12-2558145-C-T.
Other names: c.481C>T, p.Arg161Ter (NM_001129827.2, NM_001129829.2, NM_001129830.3 and 19 more transcripts); short protein forms R161*.
Identifiers: ClinVar variation 1208559 (VCV001208559.5), dbSNP rs1555599537, ClinGen allele CA383367273.

ClinVar aggregate classification (germline): Pathogenic. Review status: criteria provided, multiple submitters, no conflicts (2 of 4 stars). 2 submissions from 2 submitters: Pathogenic (2). Last evaluated 2026-08-03.

Conditions:
Cardiovascular phenotype. Identifiers: MedGen CN230736.

gnomAD v4.1: 1 of 1,606,408 alleles (0.000062%); highest among the groups gnomAD compares: Non-Finnish European, 0.000085%; no homozygotes.

Submissions (2):

Ambry Genetics
Classification: Pathogenic for Cardiovascular phenotype. Last evaluated: 2026-08-03. Review status: criteria provided, single submitter. Criteria: Ambry Variant Classification Scheme 2023. Collection method: clinical testing. Allele origin: germline.
Comment: The c.481C>T (p.R161*) alteration, located in exon 4 (coding exon 4) of the CACNA1C gene, consists of a C to T substitution at nucleotide position 481. This changes the amino acid from a arginine (R) to a stop codon at amino acid position 161. This variant is expected to result in loss of function by premature protein truncation or nonsense-mediated mRNA decay. for CACNA1C-related neurodevelopmental disorder; however, it is unlikely to be causative of CACNA1C-related long QT syndrome / Timothy syndrome. This variant was not reported in population-based cohorts in the Genome Aggregation Database (gnomAD). This variant was determined to be de novo in at least one individual with features consistent with CACNA1C-related neurodevelopmental disorder (Rodan, 2021). Based on the available evidence, this alteration is classified as pathogenic.

GeneDx
Classification: Pathogenic. Last evaluated: 2024-12-05. Review status: criteria provided, single submitter. Criteria: GeneDx Variant Classification Process June 2021. Collection method: clinical testing. Allele origin: germline. Affected: yes.
Comment: Identified in patients with features consistent with CACNA1C-related neurodevelopmental disorder referred for genetic testing at GeneDx and in published literature (PMID: 34163037); Nonsense variant predicted to result in protein truncation or nonsense mediated decay in a gene for which loss of function is a known mechanism of disease; Not observed at significant frequency in large population cohorts (gnomAD); This variant is associated with the following publications: (PMID: 34163037)

Literature cited by the submitters: PubMed 34163037 (cited by Ambry Genetics).